The following is an entry in ClinVar:

NM_004525.3(LRP2):c.11734G>A (p.Gly3912Arg)

Gene: LRP2 (LDL receptor related protein 2; minus strand). Cytogenetic location: 2q31.1.
Variant type: single nucleotide variant.
Coding change: c.11734G>A on transcript NM_004525.3 (MANE Select); coding-DNA position 11734, G replaced by A.
Protein change: p.Gly3912Arg; replaces glycine 3912 with arginine.
Molecular consequence: missense variant.
Genome position (GRCh38, 1-based): chr2:169,165,956, C>T on the plus strand (G>A on the coding strand, the complement: LRP2 is on the minus strand). VCF-style: chr2-169165956-C-T. GRCh37 (hg19) VCF-style: chr2-170022466-C-T.
Other names: c.11734G>A (NM_004525.2); short protein forms G3912R.
Identifiers: ClinVar variation 1477646 (VCV001477646.4), dbSNP rs1350728472, ClinGen allele CA349140157.

ClinVar aggregate classification (germline): Uncertain significance. Review status: criteria provided, multiple submitters, no conflicts (2 of 4 stars). 2 submissions from 2 submitters: Uncertain significance (2). Last evaluated 2025-08-10.

Conditions:
Inborn genetic diseases. Identifiers: MedGen C0950123, MeSH D030342.

Allele frequency attached by ClinVar (database versions not stated): gnomAD exomes below 0.00001; gnomAD 0.00001.
gnomAD v4.1: 3 of 1,613,934 alleles (0.00019%); highest among the groups gnomAD compares: African/African-American, 0.0013%; no homozygotes.

Submissions (2):

Ambry Genetics
Classification: Uncertain significance for Inborn genetic diseases. Last evaluated: 2025-08-10. Review status: criteria provided, single submitter. Criteria: Ambry Variant Classification Scheme 2023. Collection method: clinical testing. Allele origin: germline.

Labcorp Genetics (formerly Invitae), Labcorp
Classification: Uncertain significance. Last evaluated: 2022-02-01. Review status: criteria provided, single submitter. Criteria: Invitae Variant Classification Sherloc (09022015). Collection method: clinical testing. Allele origin: germline.
Comment: This sequence change replaces glycine, which is neutral and non-polar, with arginine, which is basic and polar, at codon 3912 of the LRP2 protein (p.Gly3912Arg). This variant is present in population databases (no rsID available, gnomAD 0.0009%). This variant has not been reported in the literature in individuals affected with LRP2-related conditions. Algorithms developed to predict the effect of missense changes on protein structure and function are either unavailable or do not agree on the potential impact of this missense change (SIFT: "Deleterious"; PolyPhen-2: "Possibly Damaging"; Align-GVGD: "Class C15"). In summary, the available evidence is currently insufficient to determine the role of this variant in disease. Therefore, it has been classified as a Variant of Uncertain Significance.